The following is an entry in ClinVar:

NM_000038.6(APC):c.3769G>T (p.Glu1257Ter)

Gene: APC (APC regulator of Wnt signaling pathway; plus strand). Cytogenetic location: 5q22.2.
Variant type: single nucleotide variant.
Coding change: c.3769G>T on transcript NM_000038.6 (MANE Select); coding-DNA position 3769, G replaced by T.
Protein change: p.Glu1257Ter; replaces glutamic acid 1257 with a stop codon.
Molecular consequence: nonsense.
Genome position (GRCh38, 1-based): chr5:112,839,363, G>T. VCF-style: chr5-112839363-G-T. GRCh37 (hg19) VCF-style: chr5-112175060-G-T.
Other names: c.3769G>T, p.Glu1257Ter (NM_001127510.3, NM_001354895.2); c.3715G>T, p.Glu1239Ter (NM_001127511.3); c.3823G>T, p.Glu1275Ter (NM_001354896.2); c.3799G>T, p.Glu1267Ter (NM_001354897.2); c.3694G>T, p.Glu1232Ter (NM_001354898.2); c.3685G>T, p.Glu1229Ter (NM_001354899.2); c.3646G>T, p.Glu1216Ter (NM_001354900.2); c.3592G>T, p.Glu1198Ter (NM_001354901.2); and 5 more; short protein forms E1097*, E1216*, E974*, E1156*, E1239*, E1257*, E1267*, E1131*.
Identifiers: ClinVar variation 824181 (VCV000824181.9), dbSNP rs1580639836, ClinGen allele CA16029600.

ClinVar aggregate classification (germline): Pathogenic. Review status: criteria provided, multiple submitters, no conflicts (2 of 4 stars). 2 submissions from 2 submitters: Pathogenic (2). Last evaluated 2024-02-25.

Conditions:
Hereditary cancer-predisposing syndrome. Also called: Neoplastic Syndromes, Hereditary; Tumor predisposition; Hereditary neoplastic syndrome; Hereditary Cancer Syndrome. Identifiers: Orphanet 140162, MedGen C0027672, MeSH D009386, MONDO:0015356.
Familial adenomatous polyposis 1 (FAP1). Also called: POLYPOSIS, ADENOMATOUS INTESTINAL; FAMILIAL ADENOMATOUS POLYPOSIS 1, ATTENUATED. Identifiers: MedGen C2713442, MONDO:0021056, OMIM 175100. Disease mechanism: loss of function.

Submissions (2):

Labcorp Genetics (formerly Invitae), Labcorp
Classification: Pathogenic for Familial adenomatous polyposis 1. Last evaluated: 2024-02-25. Review status: criteria provided, single submitter. Criteria: Invitae Variant Classification Sherloc (09022015). Collection method: clinical testing. Allele origin: germline.
Comment: This sequence change creates a premature translational stop signal (p.Glu1257*) in the APC gene. While this is not anticipated to result in nonsense mediated decay, it is expected to disrupt the last 1587 amino acid(s) of the APC protein. This variant is not present in population databases (gnomAD no frequency). This premature translational stop signal has been observed in individual(s) with familial adenomatous polyposis (PMID: 15951963, 27705013). ClinVar contains an entry for this variant (Variation ID: 824181). This variant disrupts a region of the APC protein in which other variant(s) (p.Tyr2645Lysfs*14) have been determined to be pathogenic (PMID: 1316610, 8381579, 9824584, 22135120, 27081525; Invitae). This suggests that this is a clinically significant region of the protein, and that variants that disrupt it are likely to be disease-causing. For these reasons, this variant has been classified as Pathogenic.

Ambry Genetics
Classification: Pathogenic for Hereditary cancer-predisposing syndrome. Last evaluated: 2018-11-18. Review status: criteria provided, single submitter. Criteria: Ambry Variant Classification Scheme 2023. Collection method: clinical testing. Allele origin: germline.
Comment: The p.E1257* pathogenic mutation (also known as c.3769G>T), located in coding exon 15 of the APC gene, results from a G to T substitution at nucleotide position 3769. This changes the amino acid from a glutamic acid to a stop codon within coding exon 15. This alteration is expected to result in loss of function by premature protein truncation. As such, this alteration is interpreted as a disease-causing mutation.

Literature cited by the submitters: PubMed 15951963 (cited by Labcorp Genetics (formerly Invitae), Labcorp); PubMed 27705013 (cited by Labcorp Genetics (formerly Invitae), Labcorp); PubMed 1316610 (cited by Labcorp Genetics (formerly Invitae), Labcorp); PubMed 8381579 (cited by Labcorp Genetics (formerly Invitae), Labcorp); PubMed 9824584 (cited by Labcorp Genetics (formerly Invitae), Labcorp); PubMed 22135120 (cited by Labcorp Genetics (formerly Invitae), Labcorp); PubMed 27081525 (cited by Labcorp Genetics (formerly Invitae), Labcorp).